The following is an entry in ClinVar:

NM_002055.5(GFAP):c.151G>A (p.Asp51Asn)

Gene: GFAP (glial fibrillary acidic protein; minus strand). Cytogenetic location: 17q21.31.
Variant type: single nucleotide variant.
Coding change: c.151G>A on transcript NM_002055.5 (MANE Select); coding-DNA position 151, G replaced by A.
Protein change: p.Asp51Asn; replaces aspartic acid 51 with asparagine.
Molecular consequence: missense variant.
Genome position (GRCh38, 1-based): chr17:44,915,336, C>T on the plus strand (G>A on the coding strand, the complement: GFAP is on the minus strand). VCF-style: chr17-44915336-C-T. GRCh37 (hg19) VCF-style: chr17-42992704-C-T.
Other names: c.151G>A, p.Asp51Asn (NM_001131019.3, NM_001242376.3, NM_001363846.2); short protein forms D51N.
Identifiers: ClinVar variation 1304374 (VCV001304374.2), dbSNP rs1475697926, ClinGen allele CA399849003.

ClinVar aggregate classification (germline): Uncertain significance (1 of 4 stars; one submission).

Submission:

GeneDx
Classification: Uncertain significance. Last evaluated: 2020-12-09. Review status: criteria provided, single submitter. Criteria: GeneDx Variant Classification Process June 2021. Collection method: clinical testing. Allele origin: germline. Affected: yes.
Comment: In silico analysis supports that this missense variant has a deleterious effect on protein structure/function; Has not been previously published as pathogenic or benign to our knowledge